The following is an entry in ClinVar:

NM_032043.3(BRIP1):c.1014A>G (p.Glu338=)

Gene: BRIP1 (BRCA1 interacting DNA helicase 1; minus strand). Cytogenetic location: 17q23.2.
Variant type: single nucleotide variant.
Coding change: c.1014A>G on transcript NM_032043.3 (MANE Select); coding-DNA position 1014, A replaced by G.
Protein change: p.Glu338=; no amino-acid change (glutamic acid 338 retained).
Molecular consequence: synonymous variant.
Genome position (GRCh38, 1-based): chr17:61,801,379, T>C on the plus strand (A>G on the coding strand, the complement: BRIP1 is on the minus strand). VCF-style: chr17-61801379-T-C. GRCh37 (hg19) VCF-style: chr17-59878740-T-C.
Other names: c.1014A>G (NM_032043.2).
Identifiers: ClinVar variation 584973 (VCV000584973.14), dbSNP rs1490732516, ClinGen allele CA501151947.

ClinVar aggregate classification (germline): Benign/Likely benign. Review status: criteria provided, multiple submitters, no conflicts (2 of 4 stars). 4 submissions from 4 submitters: Benign (1); Likely benign (3). Last evaluated 2026-03-30.

Conditions:
Fanconi anemia complementation group J. Also called: BRIP1-Related Fanconi Anemia. Identifiers: Orphanet 84, MedGen C1836860, MONDO:0012187, OMIM 609054.
Familial cancer of breast. Also called: hereditary breast carcinoma; Hereditary breast cancer; BREAST CANCER, FAMILIAL. Identifiers: Orphanet 227535, MedGen C0346153, MONDO:0016419, OMIM 114480. Disease mechanism: loss of function.
Hereditary cancer-predisposing syndrome. Also called: Tumor predisposition; Hereditary Cancer Syndrome; Neoplastic Syndromes, Hereditary; Hereditary neoplastic syndrome. Identifiers: Orphanet 140162, MedGen C0027672, MeSH D009386, MONDO:0015356.
Hereditary cancer. Identifiers: MedGen C1333600.

Allele frequency attached by ClinVar (database versions not stated): TOPMed 0.00002.

Submissions (4):

Ambry Genetics
Classification: Likely benign for Hereditary cancer-predisposing syndrome. Last evaluated: 2026-03-30. Review status: criteria provided, single submitter. Criteria: Ambry Variant Classification Scheme 2023. Collection method: clinical testing. Allele origin: germline.

Labcorp Genetics (formerly Invitae), Labcorp
Classification: Likely benign for Familial cancer of breast; Fanconi anemia complementation group J. Last evaluated: 2025-04-05. Review status: criteria provided, single submitter. Criteria: Invitae Variant Classification Sherloc (09022015). Collection method: clinical testing. Allele origin: germline.

Mendelics
Classification: Likely benign for Hereditary cancer. Last evaluated: 2025-02-27. Review status: criteria provided, single submitter. Criteria: ACMG Guidelines, 2015. Collection method: clinical testing. Allele origin: unknown.
Comment: This variant is considered likely benign or benign based on one or more of the following: it is predicted to be benign by multiple in silico algorithms, and/or has population frequency not consistent with disease, and/or has normal protein function, and/or has lack of segregation with disease, and/or has been detected in co-occurrence with known pathogenic variant, and/or has lack of disease association in case-control studies, and/or is located in a region inconsistent with a known cause of pathogenicity.

Myriad Genetics, Inc.
Classification: Benign for Familial cancer of breast. Last evaluated: 2024-08-22. Review status: criteria provided, single submitter. Criteria: Myriad Autosomal Dominant, Autosomal Recessive and X-Linked Classification Criteria (2023). Collection method: clinical testing. Allele origin: unknown.
Comment: This variant is considered benign. This variant is a silent/synonymous amino acid change and it is not expected to impact splicing.